The following is an entry in ClinVar:

NM_002024.6(FMR1):c.271-1G>A

Gene: FMR1 (fragile X messenger ribonucleoprotein 1; plus strand). Cytogenetic location: Xq27.3.
Variant type: single nucleotide variant.
Coding change: c.271-1G>A on transcript NM_002024.6 (MANE Select); the canonical splice acceptor site of the intron before coding-DNA position 271, G replaced by A.
Molecular consequence: splice acceptor variant.
Genome position (GRCh38, 1-based): chrX:147,928,658, G>A. VCF-style: chrX-147928658-G-A. GRCh37 (hg19) VCF-style: chrX-147010176-G-A.
Other names: c.271-1G>A (NM_001185075.2, NM_001185076.2, NM_001185082.2 and 1 more transcripts).
Identifiers: ClinVar variation 3850987 (VCV003850987.1).

ClinVar aggregate classification (germline): Likely pathogenic (1 of 4 stars; one submission).

Conditions:
Inborn genetic diseases. Identifiers: MedGen C0950123, MeSH D030342.

Submission:

Ambry Genetics
Classification: Likely pathogenic for Inborn genetic diseases. Last evaluated: 2025-01-13. Review status: criteria provided, single submitter. Criteria: Ambry Variant Classification Scheme 2023. Collection method: clinical testing. Allele origin: germline.
Comment: Thec.271-1G>A intronic variant results from a G to A substitution one nucleotide before coding exon 5 of the FMR1 gene. Alterations that disrupt the canonical splice site are expected to cause aberrant splicing, resulting in an abnormal protein or a transcript that is subject to nonsense-mediated mRNA decay. This variant was not reported in population-based cohorts in the Genome Aggregation Database (gnomAD). This nucleotide position is highly conserved in available vertebrate species. In silico splice site analysis predicts that this alteration will weaken the native splice acceptor site and will result in the creation or strengthening of a novel splice acceptor site. Based on the available evidence, this alteration is classified as likely pathogenic.